The following is an entry in ClinVar:

ClinVar aggregate classification (germline): Pathogenic (1 of 4 stars; one submission).

Conditions:
Diamond-Blackfan anemia. Also called: Blackfan Diamond syndrome; Aregenerative anemia chronic congenital; Red cell aplasia, pure hereditary; Congenital hypoplastic anemia; Aase syndrome. Identifiers: Orphanet 124, MedGen C1260899, MeSH D029503, MONDO:0015253, HP:0004810.

Submission:

Ambry Genetics
Classification: Pathogenic for Diamond-Blackfan anemia. Last evaluated: 2017-06-28. Review status: criteria provided, single submitter. Criteria: Ambry Variant Classification Scheme 2023. Collection method: clinical testing. Allele origin: germline.
Comment: The c.102dupG pathogenic mutation, located in coding exon 2 of the RPL11 gene, results from a duplication of G at nucleotide position 102, causing a translational frameshift with a predicted alternate stop codon (p.R35Afs*20). This alteration is expected to result in loss of function by premature protein truncation or nonsense-mediated mRNA decay. As such, this alteration is interpreted as a disease-causing mutation.

NM_000975.5(RPL11):c.102dup (p.Arg35fs)

Gene: RPL11 (ribosomal protein L11; plus strand). Cytogenetic location: 1p36.11.
Variant type: Duplication.
Coding change: c.102dup on transcript NM_000975.5 (MANE Select); coding-DNA position 102, one base duplicated (G; older notation c.102dupG).
Protein change: p.Arg35fs; shifts the reading frame from arginine 35.
Molecular consequence: frameshift variant.
Genome position (GRCh38, 1-based): chr1:23,692,704, G duplicated. VCF-style (leftmost placement, unchanged base first): chr1-23692703-C-CG. GRCh37 (hg19) VCF-style: chr1-24019193-C-CG.
Other names: c.99dup, p.Arg34fs (NM_001199802.1); short protein forms R34fs, R35fs.
Identifiers: ClinVar variation 1770758 (VCV001770758.2), dbSNP rs2523395126, ClinGen allele CA2580061506.